The following is an entry in ClinVar:

ClinVar aggregate classification (germline): Pathogenic. Review status: reviewed by expert panel (3 of 4 stars). 9 submissions from 8 submitters: Pathogenic (1). 8 of the submissions do not count toward it. Last evaluated 2016-09-08.

Conditions:
Hereditary cancer-predisposing syndrome. Also called: Tumor predisposition; Neoplastic Syndromes, Hereditary; Hereditary Cancer Syndrome; Hereditary neoplastic syndrome. Identifiers: Orphanet 140162, MedGen C0027672, MeSH D009386, MONDO:0015356.
Hereditary breast ovarian cancer syndrome. Also called: Hereditary breast and ovarian cancer syndrome (HBOC); Hereditary breast and ovarian cancer syndrome; Hereditary breast and ovarian cancer; Hereditary breast and/or ovarian cancer syndrome; Breast and ovarian cancer; BRCA1- and BRCA2-Associated Hereditary Breast and Ovarian Cancer. Identifiers: Orphanet 145, MedGen C0677776, MeSH D061325, MONDO:0003582. Disease mechanism: loss of function.
Breast-ovarian cancer, familial, susceptibility to, 1 (BROVCA1). Also called: OVARIAN CANCER, SUSCEPTIBILITY TO; BRCA1 Hereditary Breast and Ovarian Cancer. Identifiers: Orphanet 145, MedGen C2676676, MONDO:0011450, OMIM 604370. Disease mechanism: loss of function.
Familial cancer of breast. Also called: Hereditary breast cancer; hereditary breast carcinoma; BREAST CANCER, FAMILIAL. Identifiers: Orphanet 227535, MedGen C0346153, MONDO:0016419, OMIM 114480. Disease mechanism: loss of function.

Submissions (9):

Evidence-based Network for the Interpretation of Germline Mutant Alleles (ENIGMA)
Classification: Pathogenic for Breast-ovarian cancer, familial, susceptibility to, 1. Last evaluated: 2016-09-08. Review status: reviewed by expert panel. Criteria: ENIGMA BRCA1/2 Classification Criteria (2015). Collection method: curation. Allele origin: germline.
Comment: Variant allele predicted to encode a truncated non-functional protein.

Institute of Human Genetics, University of Leipzig Medical Center
Classification: Pathogenic for Breast-ovarian cancer, familial, susceptibility to, 1. Last evaluated: 2025-11-06. Review status: criteria provided, single submitter. Criteria: ACMG Guidelines, 2015. Collection method: clinical testing. Allele origin: maternal. Inheritance: Autosomal dominant inheritance. Affected: yes. Not counted in ClinVar's aggregate classification.
Comment: Criteria applied: PVS1,PM5_STR,PM2_SUP

Labcorp Genetics (formerly Invitae), Labcorp
Classification: Pathogenic for Hereditary breast ovarian cancer syndrome. Last evaluated: 2025-10-21. Review status: criteria provided, single submitter. Criteria: Invitae Variant Classification Sherloc (09022015). Collection method: clinical testing. Allele origin: germline. Not counted in ClinVar's aggregate classification.
Comment: This sequence change creates a premature translational stop signal (p.His448Serfs*8) in the BRCA1 gene. It is expected to result in an absent or disrupted protein product. Loss-of-function variants in BRCA1 are known to be pathogenic (PMID: 20104584). This variant is not present in population databases (gnomAD no frequency). This premature translational stop signal has been observed in individual(s) with a personal and/or family history of breast and/or ovarian cancer (PMID: 28324225). ClinVar contains an entry for this variant (Variation ID: 37401). For these reasons, this variant has been classified as Pathogenic.

Institute of Human Genetics, University of Leipzig Medical Center
Classification: Pathogenic for Familial cancer of breast. Last evaluated: 2025-03-04. Review status: criteria provided, single submitter. Criteria: ACMG Guidelines, 2015. Collection method: clinical testing. Allele origin: unknown. Inheritance: Autosomal dominant inheritance. Affected: yes. Not counted in ClinVar's aggregate classification.
Comment: the same text as in the submission from Institute of Human Genetics, University of Leipzig Medical Center above.

Ambry Genetics
Classification: Pathogenic for Hereditary cancer-predisposing syndrome. Last evaluated: 2024-09-24. Review status: criteria provided, single submitter. Criteria: Ambry Variant Classification Scheme 2023. Collection method: clinical testing. Allele origin: germline. Not counted in ClinVar's aggregate classification.
Comment: The c.1340_1341insG pathogenic mutation, located in coding exon 9 of the BRCA1 gene, results from an insertion of one nucleotide at position 1340, causing a translational frameshift with a predicted alternate stop codon (p.H448Sfs*8). This alteration was identified in a cohort of German patients considered to be at increased risk for HBOC syndrome (Meisel C et al. Arch Gynecol Obstet, 2017 May;295:1227-1238). Additionally, this alteration was identified in a large, worldwide study of BRCA1/2 mutation positive families (Rebbeck TR et al. Hum Mutat, 2018 05;39:593-620). In addition to the clinical data presented in the literature, this alteration is expected to result in loss of function by premature protein truncation or nonsense-mediated mRNA decay. As such, this alteration is interpreted as a disease-causing mutation.

Women's Health and Genetics/Laboratory Corporation of America, LabCorp
Classification: Pathogenic for Hereditary breast ovarian cancer syndrome. Last evaluated: 2023-10-31. Review status: criteria provided, single submitter. Criteria: LabCorp Variant Classification Summary - May 2015. Collection method: clinical testing. Allele origin: germline. Not counted in ClinVar's aggregate classification.
Comment: Variant summary: BRCA1 c.1340_1341insG (p.His448SerfsX8) results in a premature termination codon, predicted to cause a truncation of the encoded protein or absence of the protein due to nonsense mediated decay, which are commonly known mechanisms for disease. The variant was absent in 250878 control chromosomes. c.1340_1341insG has been reported in the literature in individuals affected with Hereditary Breast And Ovarian Cancer Syndrome (e.g. Sadowski_2017). To our knowledge, no experimental evidence demonstrating an impact on protein function has been reported. The following publication have been ascertained in the context of this evaluation (PMID: 28807866). Six submitters have cited clinical-significance assessments for this variant to ClinVar after 2014. All submitters classified the variant as pathogenic. Based on the evidence outlined above, the variant was classified as pathogenic.

Mendelics
Classification: Pathogenic for Breast-ovarian cancer, familial, susceptibility to, 1. Last evaluated: 2019-05-28. Review status: criteria provided, single submitter. Criteria: Mendelics Assertion Criteria 2017. Collection method: clinical testing. Allele origin: unknown. Not counted in ClinVar's aggregate classification.

Consortium of Investigators of Modifiers of BRCA1/2 (CIMBA), c/o University of Cambridge
Classification: Pathogenic for Breast-ovarian cancer, familial, susceptibility to, 1. Last evaluated: 2015-10-02. Review status: criteria provided, single submitter. Criteria: CIMBA Mutation Classification guidelines May 2016. Collection method: clinical testing. Allele origin: germline. Not counted in ClinVar's aggregate classification.

Breast Cancer Information Core (BIC) (BRCA1)
Classification: Pathogenic for Breast-ovarian cancer, familial 1. Last evaluated: 2006-05-05. Review status: no assertion criteria provided. Collection method: clinical testing. Allele origin: germline. Affected: yes. Observed: 2 variant alleles. Not counted in ClinVar's aggregate classification.

Literature cited by the submitters: PubMed 20104584 (cited by Labcorp Genetics (formerly Invitae), Labcorp); PubMed 28324225 (cited by Labcorp Genetics (formerly Invitae), Labcorp and Ambry Genetics); PubMed 29446198 (cited by Ambry Genetics); PubMed 28807866 (cited by Women's Health and Genetics/Laboratory Corporation of America, LabCorp).

NM_007294.4(BRCA1):c.1340_1341insG (p.His448fs)

Gene: BRCA1 (BRCA1 DNA repair associated; minus strand). Cytogenetic location: 17q21.31.
Variant type: Insertion.
Coding change: c.1340_1341insG on transcript NM_007294.4 (MANE Select); coding-DNA positions 1340 to 1341, G inserted.
Protein change: p.His448fs; shifts the reading frame from histidine 448.
Molecular consequence: frameshift variant. On other transcripts: intron variant (137).
Genome position: GRCh38 VCF-style: chr17-43094190-A-AC. GRCh37 (hg19) VCF-style: chr17-41246207-A-AC.
Other names: c.452_453insG, p.His152fs (NM_001407967.1, NM_001407966.1); c.1199_1200insG, p.His401fs (NM_007297.4, NM_001407692.1, NM_001407694.1 and 29 more transcripts); c.1340_1341insG, p.His448fs (NM_007300.4, NM_001407581.1, NM_001407582.1 and 30 more transcripts); c.646+553_646+554insG (NM_001408458.1, NM_001408469.1, NM_001408453.1 and 11 more transcripts); c.283+553_283+554insG (NM_001408512.1); c.406+553_406+554insG (NM_001408510.1); c.643+553_643+554insG (NM_001408470.1, NM_001408464.1, NM_001408468.1 and 3 more transcripts); c.784+553_784+554insG (NM_001408397.1, NM_001408401.1, NM_001408396.1 and 13 more transcripts); and 40 more; short protein forms H401fs, H448fs, H336fs, H337fs, H377fs, H406fs, H407fs, H421fs.
Identifiers: ClinVar variation 37401 (VCV000037401.20), dbSNP rs80357597, ClinGen allele CA000877.